The following is an entry in ClinVar:

ClinVar aggregate classification (germline): Benign/Likely benign. Review status: criteria provided, multiple submitters, no conflicts (2 of 4 stars). 4 submissions from 4 submitters: Benign (2); Likely benign (2). Last evaluated 2025-11-18.

Conditions:
Familial thoracic aortic aneurysm and aortic dissection (TAAD). Also called: Thoracic aortic aneurysms and dissections. Identifiers: Orphanet 91387, MedGen C4707243, MONDO:0019625.

Allele frequency attached by ClinVar (database versions not stated): TOPMed 0.00003; gnomAD 0.00005 and 0.00006; ESP Exome Variant Server 0.00008; gnomAD exomes 0.00008 and 0.00013; ExAC 0.00013.
gnomAD v4.1: 131 of 1,613,646 alleles (0.0081%); highest among the groups gnomAD compares: Admixed American, 0.0067%; no homozygotes.

Submissions (4):

Labcorp Genetics (formerly Invitae), Labcorp
Classification: Likely benign for Familial thoracic aortic aneurysm and aortic dissection. Last evaluated: 2025-11-18. Review status: criteria provided, single submitter. Criteria: Invitae Variant Classification Sherloc (09022015). Collection method: clinical testing. Allele origin: germline.

Blueprint Genetics
Classification: Likely benign. Last evaluated: 2024-10-23. Review status: criteria provided, single submitter. Criteria: ACMG Guidelines, 2015. Collection method: clinical testing. Allele origin: germline.

Women's Health and Genetics/Laboratory Corporation of America, LabCorp
Classification: Benign. Last evaluated: 2022-06-06. Review status: criteria provided, single submitter. Criteria: LabCorp Variant Classification Summary - May 2015. Collection method: clinical testing. Allele origin: germline.

GeneDx
Classification: Benign. Last evaluated: 2016-03-30. Review status: criteria provided, single submitter. Criteria: GeneDx Variant Classification (06012015). Collection method: clinical testing. Allele origin: germline. Affected: yes.
Comment: This variant is considered likely benign or benign based on one or more of the following criteria: it is a conservative change, it occurs at a poorly conserved position in the protein, it is predicted to be benign by multiple in silico algorithms, and/or has population frequency not consistent with disease.

NM_004612.4(TGFBR1):c.574+18C>T

Gene: TGFBR1 (transforming growth factor beta receptor 1; plus strand). Cytogenetic location: 9q22.33.
Variant type: single nucleotide variant.
Coding change: c.574+18C>T on transcript NM_004612.4 (MANE Select); 18 bases into the intron after coding-DNA position 574, C replaced by T.
Molecular consequence: intron variant.
Genome position (GRCh38, 1-based): chr9:99,132,757, C>T. VCF-style: chr9-99132757-C-T. GRCh37 (hg19) VCF-style: chr9-101895039-C-T.
Other names: c.586+18C>T (NM_001306210.2); c.343+3657C>T (NM_001130916.3).
Identifiers: ClinVar variation 378725 (VCV000378725.10), dbSNP rs370062838, ClinGen allele CA042428.
Genomic context (GRCh38, chr9:99,132,757, plus strand): 5'-AAAGACTTAATTTATGATATGACAACGTCAGGTTCTGGCTCAGGTAACATAATTGTTTCT[C>T]CTTTTTCCTAAGACATCTTTTTAAAATTAAGCGATACTTATTTTATTAGTTTTCTAATAA-3'